The following is an entry in ClinVar:

ClinVar aggregate classification (germline): Conflicting classifications of pathogenicity. Review status: criteria provided, conflicting classifications (1 of 4 stars). 3 submissions from 2 submitters: Uncertain significance (2); Likely benign (1). Last evaluated 2022-08-23.

Conditions:
Aicardi-Goutieres syndrome 5. Identifiers: Orphanet 51, MedGen C2749659, MONDO:0013059, OMIM 612952.
Chilblain lupus 2 (CHBL2). Identifiers: MedGen C3280721, MONDO:0013739, OMIM 614415.

Allele frequency attached by ClinVar (database versions not stated): gnomAD exomes 0.00002 and 0.00001; gnomAD 0.00001; TOPMed 0.00001; ExAC 0.00002.
gnomAD v4.1: 16 of 1,613,680 alleles (0.00099%); highest among the groups gnomAD compares: Middle Eastern, 0.016%; no homozygotes.

Submissions (3):

Labcorp Genetics (formerly Invitae), Labcorp
Classification: Uncertain significance for Aicardi-Goutieres syndrome 5. Last evaluated: 2022-08-23. Review status: criteria provided, single submitter. Criteria: Invitae Variant Classification Sherloc (09022015). Collection method: clinical testing. Allele origin: germline.
Comment: This sequence change replaces arginine, which is basic and polar, with glutamine, which is neutral and polar, at codon 134 of the SAMHD1 protein (p.Arg134Gln). This variant is present in population databases (rs767413799, gnomAD 0.004%). This variant has not been reported in the literature in individuals affected with SAMHD1-related conditions. ClinVar contains an entry for this variant (Variation ID: 338347). Algorithms developed to predict the effect of missense changes on protein structure and function (SIFT, PolyPhen-2, Align-GVGD) all suggest that this variant is likely to be tolerated. In summary, the available evidence is currently insufficient to determine the role of this variant in disease. Therefore, it has been classified as a Variant of Uncertain Significance.

Illumina Laboratory Services, Illumina
Classification: Likely benign for Chilblain lupus 2. Last evaluated: 2018-01-13. Review status: criteria provided, single submitter. Criteria: ICSL Variant Classification Criteria 13 December 2019. Collection method: clinical testing. Allele origin: germline.
Comment: This variant was observed in the ICSL laboratory as part of a predisposition screen in an ostensibly healthy population. It had not been previously curated by ICSL or reported in the Human Gene Mutation Database (HGMD: prior to June 1st, 2018), and was therefore a candidate for classification through an automated scoring system. Utilizing variant allele frequency, disease prevalence and penetrance estimates, and inheritance mode, an automated score was calculated to assess if this variant is too frequent to cause the disease. Based on the score and internal cut-off values, a variant classified as likely benign is not then subjected to further curation. The score for this variant resulted in a classification of likely benign for this disease.

Illumina Laboratory Services, Illumina
Classification: Uncertain significance for Aicardi-Goutieres syndrome 5. Last evaluated: 2018-01-13. Review status: criteria provided, single submitter. Criteria: ICSL Variant Classification Criteria 13 December 2019. Collection method: clinical testing. Allele origin: germline.

NM_015474.4(SAMHD1):c.401G>A (p.Arg134Gln)

Gene: SAMHD1 (SAM and HD domain containing deoxynucleoside triphosphate triphosphohydrolase 1; minus strand). Cytogenetic location: 20q11.23.
Variant type: single nucleotide variant.
Coding change: c.401G>A on transcript NM_015474.4 (MANE Select); coding-DNA position 401, G replaced by A.
Protein change: p.Arg134Gln; replaces arginine 134 with glutamine.
Molecular consequence: missense variant.
Genome position (GRCh38, 1-based): chr20:36,935,137, C>T on the plus strand (G>A on the coding strand, the complement: SAMHD1 is on the minus strand). VCF-style: chr20-36935137-C-T. GRCh37 (hg19) VCF-style: chr20-35563540-C-T.
Other names: c.401G>A, p.Arg134Gln (NM_001363729.2, NM_001363733.2); short protein forms R134Q.
Identifiers: ClinVar variation 338347 (VCV000338347.6), dbSNP rs767413799, ClinGen allele CA9844743.